The following is an entry in ClinVar:

ClinVar aggregate classification (germline): Uncertain significance. Review status: criteria provided, multiple submitters, no conflicts (2 of 4 stars). 2 submissions from 2 submitters: Uncertain significance (2). Last evaluated 2024-11-19.

Conditions:
Inborn genetic diseases. Identifiers: MedGen C0950123, MeSH D030342.

Allele frequency attached by ClinVar (database versions not stated): gnomAD 0.00001; TOPMed 0.00002.
gnomAD v4.1: 4 of 1,614,004 alleles (0.00025%); highest among the groups gnomAD compares: Admixed American, 0.0033%; no homozygotes.

Submissions (2):

Ambry Genetics
Classification: Uncertain significance for Inborn genetic diseases. Last evaluated: 2024-11-19. Review status: criteria provided, single submitter. Criteria: Ambry Variant Classification Scheme 2023. Collection method: clinical testing. Allele origin: germline.

Labcorp Genetics (formerly Invitae), Labcorp
Classification: Uncertain significance. Last evaluated: 2022-07-23. Review status: criteria provided, single submitter. Criteria: Invitae Variant Classification Sherloc (09022015). Collection method: clinical testing. Allele origin: germline.
Comment: This sequence change replaces alanine, which is neutral and non-polar, with valine, which is neutral and non-polar, at codon 1418 of the PCDH15 protein (p.Ala1418Val). This variant is not present in population databases (gnomAD no frequency). This variant has not been reported in the literature in individuals affected with PCDH15-related conditions. ClinVar contains an entry for this variant (Variation ID: 1398679). Algorithms developed to predict the effect of missense changes on protein structure and function are either unavailable or do not agree on the potential impact of this missense change (SIFT: "Deleterious"; PolyPhen-2: "Possibly Damaging"; Align-GVGD: "Class C0"). In summary, the available evidence is currently insufficient to determine the role of this variant in disease. Therefore, it has been classified as a Variant of Uncertain Significance.

NM_001384140.1(PCDH15):c.4253C>T (p.Ala1418Val)

Gene: PCDH15 (protocadherin related 15; minus strand). Cytogenetic location: 10q21.1.
Variant type: single nucleotide variant.
Coding change: c.4253C>T on transcript NM_001384140.1 (MANE Select); coding-DNA position 4253, C replaced by T.
Protein change: p.Ala1418Val; replaces alanine 1418 with valine.
Molecular consequence: missense variant.
Genome position (GRCh38, 1-based): chr10:53,827,507, G>A on the plus strand (C>T on the coding strand, the complement: PCDH15 is on the minus strand). VCF-style: chr10-53827507-G-A. GRCh37 (hg19) VCF-style: chr10-55587267-G-A.
Other names: c.4268C>T, p.Ala1423Val (NM_001142763.2, NM_001142771.2); c.4253C>T, p.Ala1418Val (NM_001142764.2, NM_001142770.3, NM_001142772.2 and 3 more transcripts); c.4040C>T, p.Ala1347Val (NM_001142765.2); c.4244C>T, p.Ala1415Val (NM_001142766.2); c.4133C>T, p.Ala1378Val (NM_001142767.2); c.4187C>T, p.Ala1396Val (NM_001142768.2, NM_001354404.2); c.4289C>T, p.Ala1430Val (NM_001142769.4); c.4178C>T, p.Ala1393Val (NM_001142773.2); and 1 more; short protein forms A1347V, A1393V, A1423V, A1425V, A1430V, A1378V, A1396V, A1415V.
Identifiers: ClinVar variation 1398679 (VCV001398679.7), dbSNP rs2076763093, ClinGen allele CA376527771.